The following is an entry in ClinVar:

NM_001040716.2(PC):c.2243del (p.Lys748fs)

Gene: PC (pyruvate carboxylase; minus strand). Cytogenetic location: 11q13.2.
Variant type: Deletion.
Coding change: c.2243del on transcript NM_001040716.2 (MANE Select); coding-DNA position 2243, one base deleted (A; older notation c.2243delA).
Protein change: p.Lys748fs; shifts the reading frame from lysine 748.
Molecular consequence: frameshift variant.
Genome position (GRCh38, 1-based): chr11:66,850,904, T deleted on the plus strand (A on the coding strand, the reverse complement: PC is on the minus strand); the first of 2 consecutive T bases (chr11:66,850,904-66,850,905); deleting either gives the same sequence. VCF-style (leftmost placement, unchanged base first): chr11-66850903-CT-C. GRCh37 (hg19) VCF-style: chr11-66618374-CT-C.
Other names: c.2243del, p.Lys748fs (NM_000920.4, NM_001439352.1, NM_001439353.1 and 5 more transcripts); short protein forms K748fs.
Identifiers: ClinVar variation 5015442 (VCV005015442.1).

ClinVar aggregate classification (germline): Pathogenic (1 of 4 stars; one submission).

Conditions:
Pyruvate carboxylase deficiency. Also called: ATAXIA WITH LACTIC ACIDOSIS II; LEIGH NECROTIZING ENCEPHALOPATHY DUE TO PYRUVATE CARBOXYLASE DEFICIENCY; LEIGH SYNDROME DUE TO PYRUVATE CARBOXYLASE DEFICIENCY; PC DEFICIENCY; Pyruvate Carboxylase Deficiency Disease. Identifiers: Orphanet 3008, MedGen C0034341, MONDO:0009949, OMIM 266150.

Submission:

Myriad Genetics, Inc.
Classification: Pathogenic for Pyruvate carboxylase deficiency. Last evaluated: 2026-01-19. Review status: criteria provided, single submitter. Criteria: Myriad Autosomal Dominant, Autosomal Recessive and X-Linked Classification Criteria (2023). Collection method: clinical testing. Allele origin: unknown.
Comment: NM_000920.3(PC):c.2243delA(K748Sfs*57) is expected to be pathogenic in the context of pyruvate carboxylase deficiency. This variant is predicted to lead to an abnormal or absent protein product due to the creation of a premature termination codon in PC, a gene where loss-of-function variants are known to be pathogenic. Please note: this variant was assessed in the context of healthy population screening.